The following is an entry in ClinVar:

NM_000302.4(PLOD1):c.1393G>A (p.Glu465Lys)

Gene: PLOD1 (procollagen-lysine,2-oxoglutarate 5-dioxygenase 1; plus strand). Cytogenetic location: 1p36.22.
Variant type: single nucleotide variant.
Coding change: c.1393G>A on transcript NM_000302.4 (MANE Select); coding-DNA position 1393, G replaced by A.
Protein change: p.Glu465Lys; replaces glutamic acid 465 with lysine.
Molecular consequence: missense variant.
Genome position (GRCh38, 1-based): chr1:11,964,708, G>A. VCF-style: chr1-11964708-G-A. GRCh37 (hg19) VCF-style: chr1-12024765-G-A.
Other names: c.1534G>A, p.Glu512Lys (NM_001316320.2); short protein forms E465K, E512K.
Identifiers: ClinVar variation 3231123 (VCV003231123.1), dbSNP rs2100758311, ClinGen allele CA338443487.

ClinVar aggregate classification (germline): Uncertain significance (1 of 4 stars; one submission).

Conditions:
Familial thoracic aortic aneurysm and aortic dissection (TAAD). Also called: Thoracic aortic aneurysms and dissections. Identifiers: Orphanet 91387, MedGen C4707243, MONDO:0019625.

Allele frequency attached by ClinVar (database versions not stated): gnomAD exomes below 0.00001; 1000 Genomes Project 30x 0.00016.

Submission:

Ambry Genetics
Classification: Uncertain significance for Familial thoracic aortic aneurysm and aortic dissection. Last evaluated: 2023-10-29. Review status: criteria provided, single submitter. Criteria: Ambry Variant Classification Scheme 2023. Collection method: clinical testing. Allele origin: germline.
Comment: The p.E465K variant (also known as c.1393G>A), located in coding exon 13 of the PLOD1 gene, results from a G to A substitution at nucleotide position 1393. The glutamic acid at codon 465 is replaced by lysine, an amino acid with similar properties. This amino acid position is conserved. In addition, the in silico prediction for this alteration is inconclusive. Since supporting evidence is limited at this time, the clinical significance of this alteration remains unclear.